The following is an entry in ClinVar:

NM_001371623.1(TCOF1):c.3004G>A (p.Glu1002Lys)

Gene: TCOF1 (treacle ribosome biogenesis factor 1; plus strand). Cytogenetic location: 5q32.
Variant type: single nucleotide variant.
Coding change: c.3004G>A on transcript NM_001371623.1 (MANE Select); coding-DNA position 3004, G replaced by A.
Protein change: p.Glu1002Lys; replaces glutamic acid 1002 with lysine.
Molecular consequence: missense variant.
Genome position (GRCh38, 1-based): chr5:150,388,046, G>A. VCF-style: chr5-150388046-G-A. GRCh37 (hg19) VCF-style: chr5-149767609-G-A.
Other names: c.2773G>A, p.Glu925Lys (NM_000356.4, NM_001135245.2); c.3004G>A, p.Glu1002Lys (NM_001135243.2, NM_001135244.2, NM_001195141.2); short protein forms E1002K, E925K.
Identifiers: ClinVar variation 3343701 (VCV003343701.2).

ClinVar aggregate classification (germline): Conflicting classifications of pathogenicity. Review status: criteria provided, conflicting classifications (1 of 4 stars). 2 submissions from 2 submitters: Uncertain significance (1); Likely benign (1). Last evaluated 2023-05-24.

gnomAD v4.1: 8 of 1,613,748 alleles (0.0005%); highest among the groups gnomAD compares: Admixed American, 0.0017%; no homozygotes.

Submissions (2):

GeneDx
Classification: Uncertain significance. Last evaluated: 2023-05-24. Review status: criteria provided, single submitter. Criteria: GeneDx Variant Classification Process June 2021. Collection method: clinical testing. Allele origin: germline. Affected: yes.
Comment: In silico analysis supports that this missense variant has a deleterious effect on protein structure/function; Has not been previously published as pathogenic or benign to our knowledge

Blueprint Genetics
Classification: Likely benign. Last evaluated: 2019-10-22. Review status: criteria provided, single submitter. Criteria: ACMG Guidelines, 2015. Collection method: clinical testing. Allele origin: germline.